The following is an entry in ClinVar:

ClinVar aggregate classification (germline): Uncertain significance. Review status: criteria provided, multiple submitters, no conflicts (2 of 4 stars). 3 submissions from 3 submitters: Uncertain significance (3). Last evaluated 2025-02-18.

Conditions:
Cardiovascular phenotype. Identifiers: MedGen CN230736.
ANKRD1-related dilated cardiomyopathy. Identifiers: MedGen CN119551.

Allele frequency attached by ClinVar (database versions not stated): TOPMed below 0.00001; gnomAD 0.00001; gnomAD exomes 0.00001; ExAC 0.00003.
gnomAD v4.1: 14 of 1,613,904 alleles (0.00087%); highest among the groups gnomAD compares: South Asian, 0.0088%; no homozygotes.

Submissions (3):

Ambry Genetics
Classification: Uncertain significance for Cardiovascular phenotype. Last evaluated: 2025-02-18. Review status: criteria provided, single submitter. Criteria: Ambry Variant Classification Scheme 2023. Collection method: clinical testing. Allele origin: germline.
Comment: The p.V10I variant (also known as c.28G>A) is located in coding exon 2 of the ANKRD1 gene. The valine at codon 10 is replaced by isoleucine, an amino acid with highly similar properties. This change occurs in the first base pair of coding exon 2. This amino acid position is highly conserved in available vertebrate species. In addition, the in silico prediction for this alteration is inconclusive. The evidence for this gene-disease relationship is limited; therefore, the clinical significance of this alteration is unclear.

GeneDx
Classification: Uncertain significance. Last evaluated: 2023-05-05. Review status: criteria provided, single submitter. Criteria: GeneDx Variant Classification Process June 2021. Collection method: clinical testing. Allele origin: germline. Affected: yes.
Comment: Not observed at significant frequency in large population cohorts (gnomAD); In silico analysis supports that this missense variant does not alter protein structure/function; Has not been previously published as pathogenic or benign to our knowledge

Labcorp Genetics (formerly Invitae), Labcorp
Classification: Uncertain significance for ANKRD1-related dilated cardiomyopathy. Last evaluated: 2022-06-22. Review status: criteria provided, single submitter. Criteria: Invitae Variant Classification Sherloc (09022015). Collection method: clinical testing. Allele origin: germline.
Comment: In summary, the available evidence is currently insufficient to determine the role of this variant in disease. Therefore, it has been classified as a Variant of Uncertain Significance. This variant has not been reported in the literature in individuals affected with ANKRD1-related conditions. Algorithms developed to predict the effect of missense changes on protein structure and function are either unavailable or do not agree on the potential impact of this missense change (SIFT: "Tolerated"; PolyPhen-2: "Probably Damaging"; Align-GVGD: "Class C0"). This sequence change replaces valine, which is neutral and non-polar, with isoleucine, which is neutral and non-polar, at codon 10 of the ANKRD1 protein (p.Val10Ile). This variant is present in population databases (rs757040674, gnomAD 0.01%).

NM_014391.3(ANKRD1):c.28G>A (p.Val10Ile)

Gene: ANKRD1 (ankyrin repeat domain 1; minus strand). Cytogenetic location: 10q23.31.
Variant type: single nucleotide variant.
Coding change: c.28G>A on transcript NM_014391.3 (MANE Select); coding-DNA position 28, G replaced by A.
Protein change: p.Val10Ile; replaces valine 10 with isoleucine.
Molecular consequence: missense variant.
Genome position (GRCh38, 1-based): chr10:90,920,348, C>T on the plus strand (G>A on the coding strand, the complement: ANKRD1 is on the minus strand). VCF-style: chr10-90920348-C-T. GRCh37 (hg19) VCF-style: chr10-92680105-C-T.
Other names: short protein forms V10I.
Identifiers: ClinVar variation 2149865 (VCV002149865.6), dbSNP rs757040674, ClinGen allele CA5598856.